The following is an entry in ClinVar:

ClinVar aggregate classification (germline): Uncertain significance (1 of 4 stars; one submission).

Conditions:
Cardiovascular phenotype. Identifiers: MedGen CN230736.

gnomAD v4.1: 1 of 1,613,880 alleles (0.000062%); highest among the groups gnomAD compares: African/African-American, 0.0013%; no homozygotes.

Submission:

Ambry Genetics
Classification: Uncertain significance for Cardiovascular phenotype. Last evaluated: 2021-05-13. Review status: criteria provided, single submitter. Criteria: Ambry Variant Classification Scheme 2023. Collection method: clinical testing. Allele origin: germline.
Comment: The p.T173P variant (also known as c.517A>C), located in coding exon 4 of the DSP gene, results from an A to C substitution at nucleotide position 517. The threonine at codon 173 is replaced by proline, an amino acid with highly similar properties. This amino acid position is well conserved in available vertebrate species. In addition, the in silico prediction for this alteration is inconclusive. Since supporting evidence is limited at this time, the clinical significance of this alteration remains unclear.

NM_004415.4(DSP):c.517A>C (p.Thr173Pro)

Gene: DSP (desmoplakin; plus strand). Cytogenetic location: 6p24.3.
Variant type: single nucleotide variant.
Coding change: c.517A>C on transcript NM_004415.4 (MANE Select); coding-DNA position 517, A replaced by C.
Protein change: p.Thr173Pro; replaces threonine 173 with proline.
Molecular consequence: missense variant.
Genome position (GRCh38, 1-based): chr6:7,559,320, A>C. VCF-style: chr6-7559320-A-C. GRCh37 (hg19) VCF-style: chr6-7559553-A-C.
Other names: c.517A>C, p.Thr173Pro (NM_001008844.3, NM_001319034.2, NM_001406591.1); short protein forms T173P.
Identifiers: ClinVar variation 1745834 (VCV001745834.2), dbSNP rs1372912970, ClinGen allele CA362672508.